The following is an entry in ClinVar:

ClinVar aggregate classification (germline): Uncertain significance (1 of 4 stars; one submission).

Conditions:
Left ventricular noncompaction 8 (LVNC8). Identifiers: Orphanet 154, Orphanet 54260, MedGen C3809288, MONDO:0014152, OMIM 615373.

Submission:

Labcorp Genetics (formerly Invitae), Labcorp
Classification: Uncertain significance for Left ventricular noncompaction 8. Last evaluated: 2024-09-24. Review status: criteria provided, single submitter. Criteria: Invitae Variant Classification Sherloc (09022015). Collection method: clinical testing. Allele origin: germline.
Comment: This variant, c.2802_2804del, results in the deletion of 1 amino acid(s) of the PRDM16 protein (p.Pro937del), but otherwise preserves the integrity of the reading frame. This variant is not present in population databases (gnomAD no frequency). This variant has not been reported in the literature in individuals affected with PRDM16-related conditions. Experimental studies and prediction algorithms are not available or were not evaluated, and the functional significance of this variant is currently unknown. In summary, the available evidence is currently insufficient to determine the role of this variant in disease. Therefore, it has been classified as a Variant of Uncertain Significance.

NM_022114.4(PRDM16):c.2802_2804del (p.Pro937del)

Gene: PRDM16 (PR/SET domain 16; plus strand). Cytogenetic location: 1p36.32.
Variant type: Deletion.
Coding change: c.2802_2804del on transcript NM_022114.4 (MANE Select); coding-DNA positions 2802 to 2804, 3 bases deleted (CCC; older notation c.2802_2804delCCC).
Protein change: p.Pro937del; deletes proline 937.
Molecular consequence: inframe deletion.
Genome position (GRCh38, 1-based): chr1:3,417,938-3,417,940, CCC deleted; deleting any 3 consecutive bases within chr1:3,417,937-3,417,940 gives the same sequence; the c. name uses the placement nearest the transcript's 3' end. VCF-style (leftmost placement, unchanged base first): chr1-3417936-TCCC-T. GRCh37 (hg19) VCF-style: chr1-3334500-TCCC-T.
Other names: c.2802_2804del, p.Pro937del (NM_199454.3); short protein forms P937del.
Identifiers: ClinVar variation 2918726 (VCV002918726.3), dbSNP rs1638315641, ClinGen allele CA997940102.